The following is an entry in ClinVar:

NM_001006658.3(CR2):c.1390C>T (p.Pro464Ser)

Gene: CR2 (complement C3d receptor 2; plus strand). Cytogenetic location: 1q32.2.
Variant type: single nucleotide variant.
Coding change: c.1390C>T on transcript NM_001006658.3 (MANE Select); coding-DNA position 1390, C replaced by T.
Protein change: p.Pro464Ser; replaces proline 464 with serine.
Molecular consequence: missense variant.
Genome position (GRCh38, 1-based): chr1:207,470,904, C>T. VCF-style: chr1-207470904-C-T. GRCh37 (hg19) VCF-style: chr1-207644249-C-T.
Other names: c.1390C>T, p.Pro464Ser (NM_001877.5); short protein forms P464S.
Identifiers: ClinVar variation 473093 (VCV000473093.8), dbSNP rs41313740, ClinGen allele CA1368697.
Genomic context (GRCh38, chr1:207,470,904, plus strand): 5'-GTGCTGGTGGGAGAAGAATCCATACAGTGTACCTCTGAGGGGGTGTGGACACCCCCTGTA[C>T]CCCAATGCAAAGGTGCCAGGCCTCAAATGTAGACATTTTGTTAACTTTAAGATTGCCTTG-3'
Protein context (NP_001006659.1, residues 454-474): TSEGVWTPPV[Pro464Ser]QCKVAACEAT

ClinVar aggregate classification (germline): Uncertain significance (1 of 4 stars; one submission).

Conditions:
Immunodeficiency, common variable, 7. Identifiers: Orphanet 1572, Orphanet 696894, MedGen C3542922, MONDO:0013862, OMIM 614699.

Allele frequency attached by ClinVar (database versions not stated): ExAC 0.00002; gnomAD exomes 0.00004 and 0.00007; gnomAD 0.00009 and 0.00008; ESP Exome Variant Server 0.00008; TOPMed 0.00008.
gnomAD v4.1: 124 of 1,613,658 alleles (0.0077%); highest among the groups gnomAD compares: African/African-American, 0.019%; no homozygotes.

Submission:

Labcorp Genetics (formerly Invitae), Labcorp
Classification: Uncertain significance for Immunodeficiency, common variable, 7. Last evaluated: 2022-07-09. Review status: criteria provided, single submitter. Criteria: Invitae Variant Classification Sherloc (09022015). Collection method: clinical testing. Allele origin: germline.
Comment: This sequence change replaces proline, which is neutral and non-polar, with serine, which is neutral and polar, at codon 464 of the CR2 protein (p.Pro464Ser). This variant is present in population databases (rs41313740, gnomAD 0.02%). This variant has not been reported in the literature in individuals affected with CR2-related conditions. ClinVar contains an entry for this variant (Variation ID: 473093). Algorithms developed to predict the effect of missense changes on protein structure and function are either unavailable or do not agree on the potential impact of this missense change (SIFT: "Tolerated"; PolyPhen-2: "Probably Damaging"; Align-GVGD: "Class C0"). In summary, the available evidence is currently insufficient to determine the role of this variant in disease. Therefore, it has been classified as a Variant of Uncertain Significance.